The following is an entry in ClinVar:

ClinVar aggregate classification (germline): Conflicting classifications of pathogenicity. Review status: criteria provided, conflicting classifications (1 of 4 stars). 8 submissions from 8 submitters: Uncertain significance (3); Benign (1); Likely benign (2). 2 of the submissions do not count toward it. Last evaluated 2026-01-20.

Conditions:
NEFH-related disorder. Also called: NEFH-related condition.
Inborn genetic diseases. Identifiers: MedGen C0950123, MeSH D030342.
Amyotrophic lateral sclerosis type 1 (ALS1). Also called: AMYOTROPHIC LATERAL SCLEROSIS 1, FAMILIAL. Identifiers: Orphanet 803, MedGen C1862939, MONDO:0007103, OMIM 105400.

Allele frequency attached by ClinVar (database versions not stated): 1000 Genomes Project 30x 0.00031; ESP Exome Variant Server 0.00096; gnomAD exomes 0.00073 and 0.00091; TOPMed 0.00077; ExAC 0.00084; gnomAD 0.00091 and 0.00092.

Submissions (8):

Labcorp Genetics (formerly Invitae), Labcorp
Classification: Likely benign. Last evaluated: 2026-01-20. Review status: criteria provided, single submitter. Criteria: Invitae Variant Classification Sherloc (09022015). Collection method: clinical testing. Allele origin: germline.

CeGaT Center for Human Genetics Tuebingen
Classification: Uncertain significance. Last evaluated: 2025-07-01. Review status: criteria provided, single submitter. Criteria: CeGaT Center For Human Genetics Tuebingen Variant Classification Criteria Version 2. Collection method: clinical testing. Allele origin: germline. Affected: yes. Observed: 4 variant alleles.
Comment: NEFH: PM4:Supporting

Mayo Clinic Laboratories, Mayo Clinic
Classification: Uncertain significance. Last evaluated: 2025-06-24. Review status: criteria provided, single submitter. Criteria: ACMG Guidelines, 2015. Collection method: clinical testing. Allele origin: germline. Observed: 6 variant alleles.
Comment: BS1, PM4

GeneDx
Classification: Benign. Last evaluated: 2021-07-20. Review status: criteria provided, single submitter. Criteria: GeneDx Variant Classification Process June 2021. Collection method: clinical testing. Allele origin: germline. Affected: yes.
Comment: This variant is associated with the following publications: (PMID: 7849698, 28430856, 32293029)

Ambry Genetics
Classification: Likely benign for Inborn genetic diseases. Last evaluated: 2019-09-26. Review status: criteria provided, single submitter. Criteria: Ambry Variant Classification Scheme 2023. Collection method: clinical testing. Allele origin: germline.

Mendelics
Classification: Uncertain significance for Amyotrophic lateral sclerosis type 1. Last evaluated: 2019-05-28. Review status: criteria provided, single submitter. Criteria: Mendelics Assertion Criteria 2017. Collection method: clinical testing. Allele origin: unknown.

PreventionGenetics, part of Exact Sciences
Classification: Likely benign for NEFH-related condition. Last evaluated: 2021-03-24. Review status: no assertion criteria provided. Collection method: clinical testing. Allele origin: germline. Not counted in ClinVar's aggregate classification.
Comment: This variant is classified as likely benign based on ACMG/AMP sequence variant interpretation guidelines (Richards et al. 2015 PMID: 25741868, with internal and published modifications).

Epithelial Biology;  Institute of Medical Biology, Singapore
No classification provided. Review status: no classification provided. Collection method: not provided. Allele origin: not provided. Not counted in ClinVar's aggregate classification.

Literature cited by the submitters: PubMed 28430856 (cited by Mayo Clinic Laboratories, Mayo Clinic); PubMed 32293029 (cited by Mayo Clinic Laboratories, Mayo Clinic); PubMed 38775181 (cited by Mayo Clinic Laboratories, Mayo Clinic); PubMed 7849698 (cited by Mayo Clinic Laboratories, Mayo Clinic).

NM_021076.4(NEFH):c.2368_2370del (p.Lys790del)

Gene: NEFH (neurofilament heavy chain; plus strand). Cytogenetic location: 22q12.2.
Variant type: Deletion.
Coding change: c.2368_2370del on transcript NM_021076.4 (MANE Select); coding-DNA positions 2368 to 2370, 3 bases deleted (AAG; older notation c.2368_2370delAAG).
Protein change: p.Lys790del; deletes lysine 790.
Molecular consequence: inframe deletion.
Genome position (GRCh38, 1-based): chr22:29,490,008-29,490,010, AAG deleted. VCF-style (leftmost placement, unchanged base first): chr22-29490007-CAAG-C. GRCh37 (hg19) VCF-style: chr22-29885996-CAAG-C.
Other names: p.Lys790del; c.2368_2370del (NM_021076.3); short protein forms K790del.
Identifiers: ClinVar variation 66740 (VCV000066740.42), dbSNP rs59551486, ClinGen allele CA217652.